The following is an entry in ClinVar:

ClinVar aggregate classification (germline): Uncertain significance (1 of 4 stars; one submission).

gnomAD v4.1: 1 of 1,613,864 alleles (0.000062%); highest among the groups gnomAD compares: Non-Finnish European, 0.000085%; no homozygotes.

Submission:

Labcorp Genetics (formerly Invitae), Labcorp
Classification: Uncertain significance. Last evaluated: 2025-09-02. Review status: criteria provided, single submitter. Criteria: Invitae Variant Classification Sherloc (09022015). Collection method: clinical testing. Allele origin: germline.
Comment: This sequence change replaces lysine, which is basic and polar, with threonine, which is neutral and polar, at codon 62 of the TFAM protein (p.Lys62Thr). This variant is not present in population databases (gnomAD no frequency). This variant has not been reported in the literature in individuals affected with TFAM-related conditions. ClinVar contains an entry for this variant (Variation ID: 3009977). Invitae Evidence Modeling of protein sequence and biophysical properties (such as structural, functional, and spatial information, amino acid conservation, physicochemical variation, residue mobility, and thermodynamic stability) indicates that this missense variant is not expected to disrupt TFAM protein function with a negative predictive value of 80%. In summary, the available evidence is currently insufficient to determine the role of this variant in disease. Therefore, it has been classified as a Variant of Uncertain Significance.

NM_003201.3(TFAM):c.185A>C (p.Lys62Thr)

Gene: TFAM (transcription factor A, mitochondrial; plus strand). Cytogenetic location: 10q21.1.
Variant type: single nucleotide variant.
Coding change: c.185A>C on transcript NM_003201.3 (MANE Select); coding-DNA position 185, A replaced by C.
Protein change: p.Lys62Thr; replaces lysine 62 with threonine.
Molecular consequence: missense variant. On other transcripts: non-coding transcript variant (1).
Genome position (GRCh38, 1-based): chr10:58,386,303, A>C. VCF-style: chr10-58386303-A-C. GRCh37 (hg19) VCF-style: chr10-60146063-A-C.
Other names: c.185A>C, p.Lys62Thr (NM_001270782.2); short protein forms K62T.
Identifiers: ClinVar variation 3009977 (VCV003009977.3), dbSNP rs1414155796, ClinGen allele CA377058059.